The following is an entry in ClinVar:

ClinVar aggregate classification (germline): Uncertain significance. Review status: criteria provided, multiple submitters, no conflicts (2 of 4 stars). 2 submissions from 2 submitters: Uncertain significance (2). Last evaluated 2025-04-15.

Allele frequency attached by ClinVar (database versions not stated): TOPMed below 0.00001.
gnomAD v4.1: 2 of 1,506,786 alleles (0.00013%); highest among the groups gnomAD compares: South Asian, 0.0027%; no homozygotes.

Submissions (2):

GeneDx
Classification: Uncertain significance. Last evaluated: 2025-04-15. Review status: criteria provided, single submitter. Criteria: GeneDx Variant Classification Process June 2021. Collection method: clinical testing. Allele origin: germline. Affected: yes.
Comment: Not observed at significant frequency in large population cohorts (gnomAD); In silico analysis indicates that this missense variant does not alter protein structure/function; Has not been previously published as pathogenic or benign to our knowledge

Labcorp Genetics (formerly Invitae), Labcorp
Classification: Uncertain significance. Last evaluated: 2022-04-23. Review status: criteria provided, single submitter. Criteria: Invitae Variant Classification Sherloc (09022015). Collection method: clinical testing. Allele origin: germline.
Comment: In summary, the available evidence is currently insufficient to determine the role of this variant in disease. Therefore, it has been classified as a Variant of Uncertain Significance. Advanced modeling of protein sequence and biophysical properties (such as structural, functional, and spatial information, amino acid conservation, physicochemical variation, residue mobility, and thermodynamic stability) performed at Invitae indicates that this missense variant is not expected to disrupt CACNA1E protein function. This variant has not been reported in the literature in individuals affected with CACNA1E-related conditions. This variant is not present in population databases (gnomAD no frequency). This sequence change replaces glycine, which is neutral and non-polar, with glutamic acid, which is acidic and polar, at codon 854 of the CACNA1E protein (p.Gly854Glu).

NM_001205293.3(CACNA1E):c.2561G>A (p.Gly854Glu)

Gene: CACNA1E (calcium voltage-gated channel subunit alpha1 E; plus strand). Cytogenetic location: 1q25.3.
Variant type: single nucleotide variant.
Coding change: c.2561G>A on transcript NM_001205293.3 (MANE Select); coding-DNA position 2561, G replaced by A.
Protein change: p.Gly854Glu; replaces glycine 854 with glutamic acid.
Molecular consequence: missense variant.
Genome position (GRCh38, 1-based): chr1:181,732,647, G>A. VCF-style: chr1-181732647-G-A. GRCh37 (hg19) VCF-style: chr1-181701783-G-A.
Other names: c.2561G>A, p.Gly854Glu (NM_000721.4); c.2504G>A, p.Gly835Glu (NM_001205294.2); c.2561G>A (NM_000721.3); short protein forms G854E, G835E.
Identifiers: ClinVar variation 1971840 (VCV001971840.6), dbSNP rs1456562600, ClinGen allele CA343617739.